The following is an entry in ClinVar:

ClinVar aggregate classification (germline): Uncertain significance (1 of 4 stars; one submission).

Conditions:
Autosomal recessive nonsyndromic hearing loss 18A. Also called: Deafness, autosomal recessive 18A; DEAFNESS, AUTOSOMAL RECESSIVE 18. Identifiers: Orphanet 90636, MedGen C1865870, MONDO:0011192, OMIM 602092.

Allele frequency attached by ClinVar (database versions not stated): ExAC 0.00001.

Submission:

Neuberg Centre For Genomic Medicine, NCGM
Classification: Uncertain significance for Autosomal recessive nonsyndromic hearing loss 18A. Last evaluated: 2023-03-01. Review status: criteria provided, single submitter. Criteria: ACMG Guidelines, 2015. Collection method: clinical testing. Allele origin: germline. Inheritance: Autosomal recessive inheritance. Affected: yes.
Comment: The splice region synonymous variant c.876T>C(p.Ala292) in USH1C gene has not been reported previously as a pathogenic variant nor as a benign variant, to our knowledge. The p.Ala292 variant is novel (not in any individuals) in 1000 Genomes and has allele frequency of 0.0004% in gnomAD exomes database. This variant has not been reported to the ClinVar database. For these reasons, this variant has been classified as Uncertain Significance (VUS). In the absence of another reportable variant in USH1C gene, the molecular diagnosis is not confirmed.

NM_153676.4(USH1C):c.876T>C (p.Ala292=)

Gene: USH1C (USH1 protein network component harmonin; minus strand). Cytogenetic location: 11p15.1.
Variant type: single nucleotide variant.
Coding change: c.876T>C on transcript NM_153676.4 (MANE Select); coding-DNA position 876, T replaced by C.
Protein change: p.Ala292=; no amino-acid change (alanine 292 retained).
Molecular consequence: synonymous variant. On other transcripts: non-coding transcript variant (1), intron variant (1).
Genome position (GRCh38, 1-based): chr11:17,523,211, A>G on the plus strand (T>C on the coding strand, the complement: USH1C is on the minus strand). VCF-style: chr11-17523211-A-G. GRCh37 (hg19) VCF-style: chr11-17544758-A-G.
Other names: c.876T>C, p.Ala292= (NM_005709.4); c.819+208T>C (NM_001297764.2).
Identifiers: ClinVar variation 2671697 (VCV002671697.1), dbSNP rs773086388, ClinGen allele CA5904827.